The following is an entry in ClinVar:

NM_005633.4(SOS1):c.3412A>G (p.Ile1138Val)

Gene: SOS1 (SOS Ras/Rac guanine nucleotide exchange factor 1; minus strand). Cytogenetic location: 2p22.1.
Variant type: single nucleotide variant.
Coding change: c.3412A>G on transcript NM_005633.4 (MANE Select); coding-DNA position 3412, A replaced by G.
Protein change: p.Ile1138Val; replaces isoleucine 1138 with valine.
Molecular consequence: missense variant.
Genome position (GRCh38, 1-based): chr2:38,987,571, T>C on the plus strand (A>G on the coding strand, the complement: SOS1 is on the minus strand). VCF-style: chr2-38987571-T-C. GRCh37 (hg19) VCF-style: chr2-39214712-T-C.
Other names: p.I1138V:ATA>GTA; c.3391A>G, p.Ile1131Val (NM_001382394.1); c.3367A>G, p.Ile1123Val (NM_001382395.1); short protein forms I1138V, I1123V, I1131V.
Identifiers: ClinVar variation 181544 (VCV000181544.26), dbSNP rs56248239, ClinGen allele CA297234.
Genomic context (GRCh38, chr2:38,987,571, plus strand): 5'-GTCTTCGTGGAGGAACAGGAGGAGGGACAGGCACTTCATCAGTGCCTTTGGTTAAACTTA[T>C]AGATGATACAGAAGCAGATCCTGTGGGATGTTAAATTTTTAAGAAAAAGTCCACAGGAAT-3'
Protein context (NP_005624.2, residues 1128-1148): HGPRSASVSS[Ile1138Val]SLTKGTDEVP

ClinVar aggregate classification (germline): Conflicting classifications of pathogenicity. Review status: criteria provided, conflicting classifications (1 of 4 stars). 9 submissions from 8 submitters: Uncertain significance (7); Likely benign (2). Last evaluated 2026-03-31.

Conditions:
SOS1-related disorder. Also called: SOS1-related condition.
Cardiovascular phenotype. Identifiers: MedGen CN230736.
RASopathy. Also called: Noonan spectrum disorder; rasopathies. Identifiers: Orphanet 536391, MedGen C5555857, MONDO:0021060.
Fibromatosis, gingival, 1 (GINGF1). Identifiers: Orphanet 2024, MedGen C4551558, MONDO:0007609, OMIM 135300.
Noonan syndrome 4 (NS4). Also called: SOS1-Related Noonan Syndrome; NOONAN SYNDROME WITH PIGMENTED VILLONODULAR SYNOVITIS. Identifiers: Orphanet 648, MedGen C1853120, MONDO:0012547, OMIM 610733.

Allele frequency attached by ClinVar (database versions not stated): ExAC 0.00002; gnomAD 0.00002; TOPMed 0.00002; gnomAD exomes 0.00003.
gnomAD v4.1: 47 of 1,573,382 alleles (0.003%); highest among the groups gnomAD compares: East Asian, 0.054%; no homozygotes.

Submissions (9):

PreventionGenetics, part of Exact Sciences
Classification: Uncertain significance for SOS1-related condition. Last evaluated: 2026-03-31. Review status: criteria provided, single submitter. Criteria: ACMG Guidelines, 2015. Collection method: clinical testing. Allele origin: germline.
Comment: The SOS1 c.3412A>G variant is predicted to result in the amino acid substitution p.Ile1138Val. This variant has been reported as uncertain in an individual with prenatal Noonan syndrome (Table S2, Leach et al. 2019. PubMed ID: 29907801). This variant is reported in 0.0081% of alleles in individuals of European (Finnish) descent in gnomAD and has conflicting interpretations regarding its pathogenicity in ClinVar, ranging from likely benign to uncertain (Variation ID: 181544). At this time, the clinical significance of this variant is uncertain due to the absence of conclusive functional and genetic evidence.

Labcorp Genetics (formerly Invitae), Labcorp
Classification: Likely benign for RASopathy. Last evaluated: 2026-01-12. Review status: criteria provided, single submitter. Criteria: Invitae Variant Classification Sherloc (09022015). Collection method: clinical testing. Allele origin: germline.

Ambry Genetics
Classification: Uncertain significance for Cardiovascular phenotype. Last evaluated: 2025-09-28. Review status: criteria provided, single submitter. Criteria: Ambry Variant Classification Scheme 2023. Collection method: clinical testing. Allele origin: germline.

ARUP Laboratories, Molecular Genetics and Genomics, ARUP Laboratories
Classification: Uncertain significance. Last evaluated: 2023-11-03. Review status: criteria provided, single submitter. Criteria: ARUP Molecular Germline Variant Investigation Process 2024. Collection method: clinical testing. Allele origin: germline.

Blueprint Genetics
Classification: Likely benign. Last evaluated: 2019-08-13. Review status: criteria provided, single submitter. Criteria: ACMG Guidelines, 2015. Collection method: clinical testing. Allele origin: germline.

GeneDx
Classification: Uncertain significance. Last evaluated: 2018-07-25. Review status: criteria provided, single submitter. Criteria: GeneDx Variant Classification (06012015). Collection method: clinical testing. Allele origin: germline. Affected: yes.
Comment: The c.3412 A>G (I1138V ) variant has not been published as pathogenic or been reported as benign to our knowledge. This variant is observed in 8/268,480 global alleles (0.003%) in large population cohorts (Lek et al., 2016). Multiple in silico splice prediction programs predict that the c.3412 A>G substitution creates a cryptic splice donor site upstream of the canonical splice donor site in intron 22, which may lead to abnormal gene splicing. However, in the absence of functional mRNA studies, the actual effect of this sequence change in this individual is unknown.If expressed and translated, the I1138V variant is a conservative amino acid substitution, which is not likely to impact secondary protein structure as these residues share similar properties. Additionally, in-silico analyses, including protein predictors and evolutionary conservation, support that this variant does not alter protein structure/function. Therefore, based on the currently available information, it is unclear whether this variant is pathogenic or a rare benign variant.

Women's Health and Genetics/Laboratory Corporation of America, LabCorp
Classification: Uncertain significance. Last evaluated: 2018-05-07. Review status: criteria provided, single submitter. Criteria: LabCorp Variant Classification Summary - May 2015. Collection method: clinical testing. Allele origin: germline.
Comment: Variant summary: SOS1 c.3412A>G (p.Ile1138Val) results in a conservative amino acid change in the encoded protein sequence. Four of five in-silico tools predict a benign effect of the variant on protein function. The variant allele was found at a frequency of 3e-05 in 268480 control chromosomes (gnomAD). This frequency is not significantly higher than expected for a pathogenic variant in SOS1 causing Noonan Syndrome and Related Conditions (3e-05 vs 3e-05), allowing no conclusion about variant significance. To our knowledge, no occurrence of c.3412A>G in individuals affected with Noonan Syndrome and Related Conditions and no experimental evidence demonstrating its impact on protein function have been reported. One clinical diagnostic laboratory has submitted clinical-significance assessments for this variant to ClinVar after 2014 without evidence for independent evaluation and classified the variant as uncertain significance. Based on the evidence outlined above, the variant was classified as uncertain significance.

Genome-Nilou Lab
Classification: Uncertain significance for Noonan syndrome 4. Review status: criteria provided, single submitter. Criteria: ACMG Guidelines, 2015. Collection method: clinical testing. Allele origin: germline.

Genome-Nilou Lab
Classification: Uncertain significance for Fibromatosis, gingival, 1. Review status: criteria provided, single submitter. Criteria: ACMG Guidelines, 2015. Collection method: clinical testing. Allele origin: germline.